The following is an entry in ClinVar:

NM_201548.5(CERKL):c.*121C>T

Genes: CERKL (CERK like autophagy regulator; minus strand), ITGA4 (integrin subunit alpha 4; plus strand). Cytogenetic location: 2q31.3.
Variant type: single nucleotide variant.
Coding change: c.*121C>T on transcript NM_201548.5 (MANE Select); 121 bases downstream of the stop codon, C replaced by T.
Molecular consequence: 3 prime UTR variant. On other transcripts: non-coding transcript variant (2).
Genome position (GRCh38, 1-based): chr2:181,538,063, G>A on the plus strand (C>T on the coding strand, the complement: CERKL is on the minus strand). VCF-style: chr2-181538063-G-A. GRCh37 (hg19) VCF-style: chr2-182402790-G-A.
Other names: c.*2536G>A (NM_000885.6); c.*121C>T (NM_001030311.3, NM_001030312.3, NM_001030313.3 and 1 more transcripts).
Identifiers: ClinVar variation 333001 (VCV000333001.10), dbSNP rs6747500, ClinGen allele CA2010330.

ClinVar aggregate classification (germline): Benign. Review status: criteria provided, multiple submitters, no conflicts (2 of 4 stars). 4 submissions from 4 submitters: Benign (4). Last evaluated 2021-07-10.

Conditions:
Retinitis pigmentosa (RP). Identifiers: Orphanet 791, MedGen C0035334, MeSH D012174, MONDO:0019200, OMIM 268000. Inheritance: Autosomal dominant, autosomal recessive and X linked inheritance.
Retinitis pigmentosa 26 (RP26). Identifiers: Orphanet 791, MedGen C1842127, MONDO:0012024, OMIM 608380.

Allele frequency attached by ClinVar (database versions not stated): gnomAD 0.68932 and 0.70003; TOPMed 0.69637; gnomAD exomes 0.71773 and 0.73698; 1000 Genomes Project 30x 0.76421; 1000 Genomes Project 0.76757; ExAC 0.76888.
gnomAD v4.1: 510,886 of 716,582 alleles (71%); highest among the groups gnomAD compares: South Asian, 88%; 184,189 homozygotes.

Submissions (4):

Genome-Nilou Lab
Classification: Benign for Retinitis pigmentosa 26. Last evaluated: 2021-07-10. Review status: criteria provided, single submitter. Criteria: ACMG Guidelines, 2015. Collection method: clinical testing. Allele origin: germline. Affected: no.

Illumina Laboratory Services, Illumina
Classification: Benign for Retinitis pigmentosa. Last evaluated: 2018-01-13. Review status: criteria provided, single submitter. Criteria: ICSL Variant Classification Criteria 13 December 2019. Collection method: clinical testing. Allele origin: germline.
Comment: This variant was observed in the ICSL laboratory as part of a predisposition screen in an ostensibly healthy population. It had not been previously curated by ICSL or reported in the Human Gene Mutation Database (HGMD: prior to June 1st, 2018), and was therefore a candidate for classification through an automated scoring system. Utilizing variant allele frequency, disease prevalence and penetrance estimates, and inheritance mode, an automated score was calculated to assess if this variant is too frequent to cause the disease. Based on the score and internal cut-off values, a variant classified as benign is not then subjected to further curation. The score for this variant resulted in a classification of benign for this disease.

GeneDx
Classification: Benign. Last evaluated: 2015-03-03. Review status: criteria provided, single submitter. Criteria: GeneDx Variant Classification Process June 2021. Collection method: clinical testing. Allele origin: germline. Affected: yes.

Breakthrough Genomics
Classification: Benign. Review status: criteria provided, single submitter. Criteria: ACMG Guidelines, 2015. Collection method: not provided. Allele origin: germline. Inheritance: Autosomal recessive inheritance. Affected: yes.